The following is an entry in ClinVar:

ClinVar aggregate classification (germline): Pathogenic (1 of 4 stars; one submission).

Submission:

GeneDx
Classification: Pathogenic. Last evaluated: 2014-02-04. Review status: criteria provided, single submitter. Criteria: GeneDx Variant Classification (06012015). Collection method: clinical testing. Allele origin: germline. Affected: yes.
Comment: c.4896dupT: p.Thr1633TyrfsX10 (T1633YfsX10) in exon 26 of the SCN1A gene (NM_001165963.1). The c.4896dupT mutation in the SCN1A gene causes a frameshift starting with codon Threonine 1633, changes this amino acid to a Tyrosine residue and creates a premature Stop codon at position 10 of the new reading frame, denoted p.Thr1633TyrfsX10. This mutation is predicted to cause loss of normal protein function through protein truncation. Although this mutation has not been previously reported to our knowledge, many other frameshift mutations have been reported in the SCN1A gene in association with epilepsy. Therefore, the presence of c.4896dupT is consistent with a diagnosis of an SCN1A-related disorder. The variant is found in EPILEPSY panel(s).

NM_001165963.4(SCN1A):c.4896dup (p.Thr1633fs)

Genes: SCN1A (sodium voltage-gated channel alpha subunit 1; minus strand), LOC102724058 (uncharacterized LOC102724058; plus strand). Cytogenetic location: 2q24.3.
Variant type: Duplication.
Coding change: c.4896dup on transcript NM_001165963.4 (MANE Select); coding-DNA position 4896, one base duplicated (T; older notation c.4896dupT).
Protein change: p.Thr1633fs; shifts the reading frame from threonine 1633.
Molecular consequence: frameshift variant. On other transcripts: non-coding transcript variant (1).
Genome position (GRCh38, 1-based): chr2:165,992,379, A duplicated on the plus strand (T on the coding strand, the reverse complement: SCN1A is on the minus strand). VCF-style (leftmost placement, unchanged base first): chr2-165992378-T-TA. GRCh37 (hg19) VCF-style: chr2-166848888-T-TA.
Other names: c.4812dup, p.Thr1605fs (NM_001165964.3, NM_001353957.2, NM_001353958.2); c.4896dup, p.Thr1633fs (NM_001202435.3, NM_001353948.2); c.4863dup, p.Thr1622fs (NM_001353949.2, NM_001353950.2, NM_001353951.2 and 2 more transcripts); c.4860dup, p.Thr1621fs (NM_001353954.2, NM_001353955.2); c.4809dup, p.Thr1604fs (NM_001353960.2); c.2454dup, p.Thr819fs (NM_001353961.2); short protein forms T1604fs, T1621fs, T1622fs, T1633fs, T819fs, T1605fs.
Identifiers: ClinVar variation 206922 (VCV000206922.1), dbSNP rs796053084, ClinGen allele CA317740.
Genomic context (GRCh38, chr2:165,992,378, plus strand): 5'-CTCCTTTGATCAGACGTAGGATTCGGCCAATCCTAGCAAGACGGATCACTCGGAACAGGG[T>TA]AGGGGACACGAAATACTTTTCTATCAGCTCGGCAAGAAACATACCTATGAATAAACAATG-3'